The following is an entry in ClinVar:

ClinVar aggregate classification (germline): Conflicting classifications of pathogenicity. Review status: criteria provided, conflicting classifications (1 of 4 stars). 2 submissions from 2 submitters: Uncertain significance (1); Likely benign (1). Last evaluated 2025-08-18.

Allele frequency attached by ClinVar (database versions not stated): ExAC 0.00001; TOPMed 0.00001.

Submissions (2):

Labcorp Genetics (formerly Invitae), Labcorp
Classification: Likely benign. Last evaluated: 2025-08-18. Review status: criteria provided, single submitter. Criteria: Invitae Variant Classification Sherloc (09022015). Collection method: clinical testing. Allele origin: germline.

Laboratory for Molecular Medicine, Mass General Brigham Personalized Medicine
Classification: Uncertain significance. Last evaluated: 2016-10-06. Review status: criteria provided, single submitter. Criteria: LMM Criteria. Collection method: clinical testing. Allele origin: germline. Observed: 1 variant allele.
Comment: The p.Pro689Ser variant in COL11A2 has not been previously reported in individua ls with hearing loss. This variant has been identified in 1/50332 European chrom osomes by the Exome Aggregation Consortium (ExAC ; dbSNP rs766440021); however, this frequency is not high enough to rule out a p athogenic role. Computational prediction tools and conservation analysis do not provide strong support for or against an impact to the protein. In summary, the clinical significance of the p.Pro689Ser variant is uncertain.

NM_080680.3(COL11A2):c.2065C>T (p.Pro689Ser)

Gene: COL11A2 (collagen type XI alpha 2 chain; minus strand). Cytogenetic location: 6p21.32.
Variant type: single nucleotide variant.
Coding change: c.2065C>T on transcript NM_080680.3 (MANE Select); coding-DNA position 2065, C replaced by T.
Protein change: p.Pro689Ser; replaces proline 689 with serine.
Molecular consequence: missense variant.
Genome position (GRCh38, 1-based): chr6:33,176,997, G>A on the plus strand (C>T on the coding strand, the complement: COL11A2 is on the minus strand). VCF-style: chr6-33176997-G-A. GRCh37 (hg19) VCF-style: chr6-33144774-G-A.
Other names: c.1744C>T, p.Pro582Ser (NM_080679.3); c.1807C>T, p.Pro603Ser (NM_080681.3); short protein forms P689S, P603S, P582S.
Identifiers: ClinVar variation 505322 (VCV000505322.9), dbSNP rs766440021, ClinGen allele CA3751063.